The following is an entry in ClinVar:

ClinVar aggregate classification (germline): Likely benign (1 of 4 stars; one submission).

Conditions:
ACBD5-related disorder. Also called: ACBD5-related condition.

gnomAD v4.1: 1 of 1,613,866 alleles (0.000062%); highest among the groups gnomAD compares: African/African-American, 0.0013%; no homozygotes.

Submission:

PreventionGenetics, part of Exact Sciences
Classification: Likely benign for ACBD5-related condition. Last evaluated: 2026-08-20. Review status: criteria provided, single submitter. Criteria: ACMG Guidelines, 2015. Collection method: clinical testing. Allele origin: germline.
Comment: This variant is classified as likely benign based on ACMG/AMP sequence variant interpretation guidelines (Richards et al. 2015 PMID: 25741868, with internal and published modifications).

NM_145698.5(ACBD5):c.225C>T (p.Ser75=)

Gene: ACBD5 (acyl-CoA binding domain containing 5; minus strand). Cytogenetic location: 10p12.1.
Variant type: single nucleotide variant.
Coding change: c.225C>T on transcript NM_145698.5 (MANE Select); coding-DNA position 225, C replaced by T.
Protein change: p.Ser75=; no amino-acid change (serine 75 retained).
Molecular consequence: synonymous variant. On other transcripts: intron variant (7).
Genome position (GRCh38, 1-based): chr10:27,235,169, G>A on the plus strand (C>T on the coding strand, the complement: ACBD5 is on the minus strand). VCF-style: chr10-27235169-G-A. GRCh37 (hg19) VCF-style: chr10-27524098-G-A.
Other names: c.120C>T, p.Ser40= (NM_001042473.4, NM_001352574.2, NM_001352575.2 and 6 more transcripts); c.219C>T, p.Ser73= (NM_001271512.3, NM_001352571.1, NM_001352586.1 and 1 more transcripts); c.246C>T, p.Ser82= (NM_001352568.1, NM_001352572.1); c.225C>T, p.Ser75= (NM_001352569.1, NM_001352570.1, NM_001352573.1 and 2 more transcripts); c.-25-3349C>T (NM_001301253.2, NM_001301251.2, NM_001352583.1 and 4 more transcripts).
Identifiers: ClinVar variation 4992415 (VCV004992415.1).
Genomic context (GRCh38, chr10:27,235,169, plus strand): 5'-AGGATCCCAAAATCCAGGCCTTGAAAGTTTACAGGGTCCTTCAGTTGCCTGCTTATAGAA[G>A]CTATAAAATTTAAGCATCATTTCATTTGTTGGCTGGAATGAACCTGTTGGAAACACACAT-3'
Protein context (NP_663736.2, residues 65-85): PTNEMMLKFY[Ser75=]FYKQATEGPC